The following is an entry in ClinVar:

NC_000011.9:g.(?_89017921)_(89018142_?)dup

Gene: TYR (tyrosinase; plus strand). Cytogenetic location: 11q14.3.
Variant type: Duplication.
Identifiers: ClinVar variation 2422975 (VCV002422975.4).

ClinVar aggregate classification (germline): Likely pathogenic (1 of 4 stars; one submission).

Submission:

Labcorp Genetics (formerly Invitae), Labcorp
Classification: Likely pathogenic. Last evaluated: 2023-11-17. Review status: criteria provided, single submitter. Criteria: Invitae Variant Classification Sherloc (09022015). Collection method: clinical testing. Allele origin: germline.
Comment: This variant results in a copy number gain of the genomic region encompassing exon(s) 4 of the TYR gene. While the exact position of this variant cannot be determined from the data, sub-genic copy number gains are generally in tandem (PMID: 25640679). This variant is predicted to be out-of-frame, and may result in an absent or disrupted protein product. Loss-of-function variants in TYR are known to be pathogenic (PMID: 23504663). This variant has not been reported in the literature in individuals affected with TYR-related conditions. In summary, the currently available evidence indicates that the variant is pathogenic, but additional data are needed to prove that conclusively. Therefore, this variant has been classified as Likely Pathogenic.

Literature cited by the submitters: PubMed 25640679; PubMed 23504663.